The following is an entry in ClinVar:

NM_017654.4(SAMD9):c.3867G>A (p.Glu1289=)

Gene: SAMD9 (sterile alpha motif domain containing 9; minus strand). Cytogenetic location: 7q21.2.
Variant type: single nucleotide variant.
Coding change: c.3867G>A on transcript NM_017654.4 (MANE Select); coding-DNA position 3867, G replaced by A.
Protein change: p.Glu1289=; no amino-acid change (glutamic acid 1289 retained).
Molecular consequence: synonymous variant.
Genome position (GRCh38, 1-based): chr7:93,102,231, C>T on the plus strand (G>A on the coding strand, the complement: SAMD9 is on the minus strand). VCF-style: chr7-93102231-C-T. GRCh37 (hg19) VCF-style: chr7-92731544-C-T.
Other names: c.3867G>A, p.Glu1289= (NM_001193307.2); c.3867G>A (NM_017654.3).
Identifiers: ClinVar variation 1582148 (VCV001582148.13), dbSNP rs764376014, ClinGen allele CA4342625.

ClinVar aggregate classification (germline): Likely benign. Review status: criteria provided, multiple submitters, no conflicts (2 of 4 stars). 4 submissions from 4 submitters: Likely benign (3). 1 of the submissions does not count toward it. Last evaluated 2025-10-03.

Conditions:
Inborn genetic diseases. Identifiers: MedGen C0950123, MeSH D030342.
SAMD9-related disorder. Also called: SAMD9-related condition.

Allele frequency attached by ClinVar (database versions not stated): ExAC 0.00002; gnomAD 0.00004; gnomAD exomes 0.00005 and 0.00014; TOPMed 0.00006.

Submissions (4):

Labcorp Genetics (formerly Invitae), Labcorp
Classification: Likely benign. Last evaluated: 2025-10-03. Review status: criteria provided, single submitter. Criteria: Invitae Variant Classification Sherloc (09022015). Collection method: clinical testing. Allele origin: germline.

Ambry Genetics
Classification: Likely benign for Inborn genetic diseases. Last evaluated: 2024-11-20. Review status: criteria provided, single submitter. Criteria: Ambry Variant Classification Scheme 2023. Collection method: clinical testing. Allele origin: germline.

Blueprint Genetics
Classification: Likely benign. Last evaluated: 2023-07-13. Review status: criteria provided, single submitter. Criteria: ACMG Guidelines, 2015. Collection method: clinical testing. Allele origin: germline.

PreventionGenetics, part of Exact Sciences
Classification: Likely benign for SAMD9-related condition. Last evaluated: 2022-04-27. Review status: no assertion criteria provided. Collection method: clinical testing. Allele origin: germline. Not counted in ClinVar's aggregate classification.
Comment: This variant is classified as likely benign based on ACMG/AMP sequence variant interpretation guidelines (Richards et al. 2015 PMID: 25741868, with internal and published modifications).